The following is an entry in ClinVar:

NM_001854.4(COL11A1):c.3817-3T>G

Gene: COL11A1 (collagen type XI alpha 1 chain; minus strand). Cytogenetic location: 1p21.1.
Variant type: single nucleotide variant.
Coding change: c.3817-3T>G on transcript NM_001854.4 (MANE Select); 3 bases into the intron before coding-DNA position 3817, T replaced by G.
Molecular consequence: intron variant.
Genome position (GRCh38, 1-based): chr1:102,914,814, A>C on the plus strand (T>G on the coding strand, the complement: COL11A1 is on the minus strand). VCF-style: chr1-102914814-A-C. GRCh37 (hg19) VCF-style: chr1-103380370-A-C.
Other names: c.3700-3T>G (NM_001190709.2); c.3853-3T>G (NM_080629.3); c.3469-3T>G (NM_080630.4).
Identifiers: ClinVar variation 2758334 (VCV002758334.3), dbSNP rs2524485955, ClinGen allele CA2646802299.

ClinVar aggregate classification (germline): Uncertain significance (1 of 4 stars; one submission).

gnomAD v4.1: 1 of 1,523,104 alleles (0.000066%); no homozygotes.

Submission:

Labcorp Genetics (formerly Invitae), Labcorp
Classification: Uncertain significance. Last evaluated: 2023-10-20. Review status: criteria provided, single submitter. Criteria: Invitae Variant Classification Sherloc (09022015). Collection method: clinical testing. Allele origin: germline.
Comment: This sequence change falls in intron 50 of the COL11A1 gene. It does not directly change the encoded amino acid sequence of the COL11A1 protein. It affects a nucleotide within the consensus splice site. This variant is not present in population databases (gnomAD no frequency). This variant has not been reported in the literature in individuals affected with COL11A1-related conditions. Variants that disrupt the consensus splice site are a relatively common cause of aberrant splicing (PMID: 17576681, 9536098). Algorithms developed to predict the effect of sequence changes on RNA splicing suggest that this variant may disrupt the consensus splice site. In summary, the available evidence is currently insufficient to determine the role of this variant in disease. Therefore, it has been classified as a Variant of Uncertain Significance.

Literature cited by the submitters: PubMed 17576681; PubMed 9536098.